The following is an entry in ClinVar:

ClinVar aggregate classification (germline): Likely pathogenic. Review status: criteria provided, multiple submitters, no conflicts (2 of 4 stars). 3 submissions from 3 submitters: Likely pathogenic (2). 1 of the submissions does not count toward it. Last evaluated 2023-05-15.

Conditions:
Retinitis pigmentosa 77 (RP77). Identifiers: MedGen C4310626, MONDO:0015013, OMIM 617304.
REEP6-related disorder. Also called: REEP6-related condition.

Allele frequency attached by ClinVar (database versions not stated): gnomAD exomes below 0.00001.
gnomAD v4.1: 1 of 1,612,864 alleles (0.000062%); highest among the groups gnomAD compares: Non-Finnish European, 0.000085%; no homozygotes.

Submissions (3):

Labcorp Genetics (formerly Invitae), Labcorp
Classification: Likely pathogenic. Last evaluated: 2023-05-15. Review status: criteria provided, single submitter. Criteria: Invitae Variant Classification Sherloc (09022015). Collection method: clinical testing. Allele origin: germline.
Comment: Experimental studies have shown that this missense change affects REEP6 function (PMID: 27889058, 28475715). In summary, the currently available evidence indicates that the variant is pathogenic, but additional data are needed to prove that conclusively. Therefore, this variant has been classified as Likely Pathogenic. Algorithms developed to predict the effect of variants on protein structure and function are not available or were not evaluated for this variant. ClinVar contains an entry for this variant (Variation ID: 374989). This missense change has been observed in individual(s) with retinitis pigmentosa (PMID: 27889058). In at least one individual the data is consistent with being in trans (on the opposite chromosome) from a pathogenic variant. This variant is not present in population databases (gnomAD no frequency). This sequence change replaces leucine, which is neutral and non-polar, with proline, which is neutral and non-polar, at codon 135 of the REEP6 protein (p.Leu135Pro).

Blueprint Genetics
Classification: Likely pathogenic for REEP6-related disorders. Last evaluated: 2019-09-06. Review status: criteria provided, single submitter. Criteria: ACMG Guidelines, 2015. Collection method: clinical testing. Allele origin: germline. Affected: yes. Observed: 1 variant allele.

OMIM
Classification: Pathogenic for RETINITIS PIGMENTOSA 77. Last evaluated: 2017-01-19. Review status: no assertion criteria provided. Collection method: literature only. Allele origin: germline. Not counted in ClinVar's aggregate classification.

Literature cited by the submitters: PubMed 27889058 (cited by Labcorp Genetics (formerly Invitae), Labcorp and OMIM); PubMed 28475715 (cited by Labcorp Genetics (formerly Invitae), Labcorp).

NM_138393.4(REEP6):c.404T>C (p.Leu135Pro)

Gene: REEP6 (receptor accessory protein 6; plus strand). Cytogenetic location: 19p13.3.
Variant type: single nucleotide variant.
Coding change: c.404T>C on transcript NM_138393.4 (MANE Select); coding-DNA position 404, T replaced by C.
Protein change: p.Leu135Pro; replaces leucine 135 with proline.
Molecular consequence: missense variant.
Genome position (GRCh38, 1-based): chr19:1,496,340, T>C. VCF-style: chr19-1496340-T-C. GRCh37 (hg19) VCF-style: chr19-1496339-T-C.
Other names: c.404T>C, p.Leu135Pro (NM_001329556.3); short protein forms L135P.
Identifiers: ClinVar variation 374989 (VCV000374989.9), dbSNP rs1057519316, ClinGen allele CA16044006.
Genomic context (GRCh38, chr19:1,496,340, plus strand): 5'-TGCAGTGCGCCTTCCTGTTGTTCTGCATGGCTCCCAGGCCCTGGAACGGGGCTCTCATGC[T>C]GTATCAGCGCGTCGTGCGTCCGCTGTTCCTAAGGCACCACGGGGCCGTAGACAGAATCAT-3'
Protein context (NP_612402.1, residues 125-145): APRPWNGALM[Leu135Pro]YQRVVRPLFL